The following is an entry in ClinVar:

NM_016239.4(MYO15A):c.2440_2444del (p.Ala814fs)

Gene: MYO15A (myosin XVA; plus strand). Cytogenetic location: 17p11.2.
Variant type: Deletion.
Coding change: c.2440_2444del on transcript NM_016239.4 (MANE Select); coding-DNA positions 2440 to 2444, 5 bases deleted (GCCCG; older notation c.2440_2444delGCCCG).
Protein change: p.Ala814fs; shifts the reading frame from alanine 814.
Molecular consequence: frameshift variant.
Genome position (GRCh38, 1-based): chr17:18,121,240-18,121,244, GCCCG deleted; deleting any 5 consecutive bases within chr17:18,121,236-18,121,244 gives the same sequence; the c. name uses the placement nearest the transcript's 3' end. VCF-style (leftmost placement, unchanged base first): chr17-18121235-CCCCGG-C. GRCh37 (hg19) VCF-style: chr17-18024549-CCCCGG-C.
Other names: short protein forms A814fs.
Identifiers: ClinVar variation 3382397 (VCV003382397.2).

ClinVar aggregate classification (germline): Likely pathogenic (1 of 4 stars; one submission).

Conditions:
Autosomal recessive nonsyndromic hearing loss 3. Also called: NEUROSENSORY NONSYNDROMIC RECESSIVE DEAFNESS 3. Identifiers: Orphanet 90636, MedGen C1838263, MONDO:0010860, OMIM 600316.

Submission:

Juno Genomics, Hangzhou Juno Genomics, Inc
Classification: Likely pathogenic for Autosomal recessive nonsyndromic hearing loss 3. Review status: criteria provided, single submitter. Criteria: ACMG Guidelines, 2015. Collection method: clinical testing. Allele origin: germline. Affected: yes.
Comment: Absent from controls (or at extremely low frequency if recessive) in Genome Aggregation Database, Exome Sequencing Project, 1000 Genomes Project, or Exome Aggregation Consortium.;Null variant in a gene where loss of function (LOF) is a known mechanism of disease.